The following is an entry in ClinVar:

NM_002432.3(MNDA):c.542C>T (p.Ser181Leu)

Gene: MNDA (myeloid cell nuclear differentiation antigen; plus strand). Cytogenetic location: 1q23.1.
Variant type: single nucleotide variant.
Coding change: c.542C>T on transcript NM_002432.3 (MANE Select); coding-DNA position 542, C replaced by T.
Protein change: p.Ser181Leu; replaces serine 181 with leucine.
Molecular consequence: missense variant.
Genome position (GRCh38, 1-based): chr1:158,844,094, C>T. VCF-style: chr1-158844094-C-T. GRCh37 (hg19) VCF-style: chr1-158813884-C-T.
Other names: short protein forms S181L.
Identifiers: ClinVar variation 3295429 (VCV003295429.1).

ClinVar aggregate classification (germline): Uncertain significance (1 of 4 stars; one submission).

Submission:

Ambry Genetics
Classification: Uncertain significance. Last evaluated: 2024-05-18. Review status: criteria provided, single submitter. Criteria: Ambry Variant Classification Scheme 2023. Collection method: clinical testing. Allele origin: germline.
Comment: The p.S181L variant (also known as c.542C>T), located in coding exon 3 of the MNDA gene, results from a C to T substitution at nucleotide position 542. The serine at codon 181 is replaced by leucine, an amino acid with dissimilar properties. This amino acid position is conserved. In addition, this alteration is predicted to be tolerated by in silico analysis. Based on the available evidence, the clinical significance of this variant remains unclear.